The following is an entry in ClinVar:

NM_005619.5(RTN2):c.1585G>A (p.Ala529Thr)

Genes: OPA3-RTN2 (OPA3-RTN2 readthrough; minus strand), RTN2 (reticulon 2; minus strand). Cytogenetic location: 19q13.32.
Variant type: single nucleotide variant.
Coding change: c.1585G>A on transcript NM_005619.5 (MANE Select); coding-DNA position 1585, G replaced by A.
Protein change: p.Ala529Thr; replaces alanine 529 with threonine.
Molecular consequence: missense variant.
Genome position (GRCh38, 1-based): chr19:45,485,761, C>T on the plus strand (G>A on the coding strand, the complement: RTN2 is on the minus strand). VCF-style: chr19-45485761-C-T. GRCh37 (hg19) VCF-style: chr19-45989019-C-T.
Other names: c.1585G>A (NM_005619.3); c.1366G>A, p.Ala456Thr (NM_206900.3); c.565G>A, p.Ala189Thr (NM_206901.3); short protein forms A456T, A189T, A529T.
Identifiers: ClinVar variation 849447 (VCV000849447.10), dbSNP rs767540821, ClinGen allele CA9515900.

ClinVar aggregate classification (germline): Uncertain significance. Review status: criteria provided, multiple submitters, no conflicts (2 of 4 stars). 2 submissions from 2 submitters: Uncertain significance (2). Last evaluated 2024-04-22.

Conditions:
Inborn genetic diseases. Identifiers: MedGen C0950123, MeSH D030342.
Spastic paraplegia. Identifiers: MedGen C0037772, HP:0001258.

Allele frequency attached by ClinVar (database versions not stated): gnomAD 0.00001; ExAC 0.00002; gnomAD exomes 0.00003; TOPMed 0.00004.

Submissions (2):

Labcorp Genetics (formerly Invitae), Labcorp
Classification: Uncertain significance for Spastic paraplegia. Last evaluated: 2024-04-22. Review status: criteria provided, single submitter. Criteria: Invitae Variant Classification Sherloc (09022015). Collection method: clinical testing. Allele origin: germline.
Comment: This sequence change replaces alanine, which is neutral and non-polar, with threonine, which is neutral and polar, at codon 529 of the RTN2 protein (p.Ala529Thr). This variant is present in population databases (rs767540821, gnomAD 0.02%). This variant has not been reported in the literature in individuals affected with RTN2-related conditions. ClinVar contains an entry for this variant (Variation ID: 849447). Algorithms developed to predict the effect of missense changes on protein structure and function output the following: SIFT: "Not Available"; PolyPhen-2: "Not Available"; Align-GVGD: "Not Available". The threonine amino acid residue is found in multiple mammalian species, which suggests that this missense change does not adversely affect protein function. In summary, the available evidence is currently insufficient to determine the role of this variant in disease. Therefore, it has been classified as a Variant of Uncertain Significance.

Ambry Genetics
Classification: Uncertain significance for Inborn genetic diseases. Last evaluated: 2021-06-22. Review status: criteria provided, single submitter. Criteria: Ambry Variant Classification Scheme 2023. Collection method: clinical testing. Allele origin: germline.